The following is an entry in ClinVar:

ClinVar aggregate classification (germline): Uncertain significance. Review status: criteria provided, multiple submitters, no conflicts (2 of 4 stars). 2 submissions from 2 submitters: Uncertain significance (2). Last evaluated 2026-01-28.

Conditions:
Birt-Hogg-Dube syndrome. Also called: Birt Hogg Dubé syndrome. Identifiers: Orphanet 122, MedGen C0346010, MONDO:0800444.
Hereditary cancer-predisposing syndrome. Also called: Hereditary Cancer Syndrome; Hereditary neoplastic syndrome; Neoplastic Syndromes, Hereditary; Tumor predisposition. Identifiers: Orphanet 140162, MedGen C0027672, MeSH D009386, MONDO:0015356.

Submissions (2):

Labcorp Genetics (formerly Invitae), Labcorp
Classification: Uncertain significance for Birt-Hogg-Dube syndrome. Last evaluated: 2026-01-28. Review status: criteria provided, single submitter. Criteria: Invitae Variant Classification Sherloc (09022015). Collection method: clinical testing. Allele origin: germline.
Comment: This sequence change replaces glutamic acid, which is acidic and polar, with glycine, which is neutral and non-polar, at codon 306 of the FLCN protein (p.Glu306Gly). This variant is not present in population databases (gnomAD no frequency). This variant has not been reported in the literature in individuals affected with FLCN-related conditions. ClinVar contains an entry for this variant (Variation ID: 3515607). An algorithm developed to predict the effect of missense changes on protein structure and function (PolyPhen-2) suggests that this variant is likely to be tolerated. In summary, the available evidence is currently insufficient to determine the role of this variant in disease. Therefore, it has been classified as a Variant of Uncertain Significance.

Ambry Genetics
Classification: Uncertain significance for Hereditary cancer-predisposing syndrome. Last evaluated: 2024-09-01. Review status: criteria provided, single submitter. Criteria: Ambry Variant Classification Scheme 2023. Collection method: clinical testing. Allele origin: germline.
Comment: The p.E306G variant (also known as c.917A>G), located in coding exon 6 of the FLCN gene, results from an A to G substitution at nucleotide position 917. The glutamic acid at codon 306 is replaced by glycine, an amino acid with similar properties. This amino acid position is conserved. In addition, the in silico prediction for this alteration is inconclusive. Based on the available evidence, the clinical significance of this variant remains unclear.

NM_144997.7(FLCN):c.917A>G (p.Glu306Gly)

Gene: FLCN (folliculin; minus strand). Cytogenetic location: 17p11.2.
Variant type: single nucleotide variant.
Coding change: c.917A>G on transcript NM_144997.7 (MANE Select); coding-DNA position 917, A replaced by G.
Protein change: p.Glu306Gly; replaces glutamic acid 306 with glycine.
Molecular consequence: missense variant.
Genome position (GRCh38, 1-based): chr17:17,219,164, T>C on the plus strand (A>G on the coding strand, the complement: FLCN is on the minus strand). VCF-style: chr17-17219164-T-C. GRCh37 (hg19) VCF-style: chr17-17122478-T-C.
Other names: c.971A>G, p.Glu324Gly (NM_001353229.2); c.917A>G, p.Glu306Gly (NM_001353230.2, NM_001353231.2); short protein forms E306G, E324G.
Identifiers: ClinVar variation 3515607 (VCV003515607.2).